The following is an entry in ClinVar:

NM_000284.4(PDHA1):c.900-6_958dup

Gene: PDHA1 (pyruvate dehydrogenase E1 subunit alpha 1; plus strand). Cytogenetic location: Xp22.12.
Variant type: Duplication.
Coding change: c.900-6_958dup on transcript NM_000284.4 (MANE Select); 6 bases into the intron before coding-DNA position 900 through coding-DNA position 958, 65 bases duplicated.
Molecular consequence: splice acceptor variant.
Genome position (GRCh38, 1-based): chrX:19,358,910-19,358,974, 65 bases duplicated. GRCh37 (hg19): chrX:19,377,028-19,377,092.
Other names: c.1014-6_1072dup (NM_001173454.2); c.921-6_979dup (NM_001173455.2); c.807-6_865dup (NM_001173456.2).
Identifiers: ClinVar variation 4070391 (VCV004070391.1).

ClinVar aggregate classification (germline): Likely pathogenic (0 of 4 stars; one submission).

Conditions:
Pyruvate dehydrogenase E1-alpha deficiency (PDHAD). Also called: ATAXIA, INTERMITTENT, WITH PYRUVATE DEHYDROGENASE DEFICIENCY; ATAXIA WITH LACTIC ACIDOSIS I; ATAXIA, INTERMITTENT, WITH ABNORMAL PYRUVATE METABOLISM; Ataxia, intermittent, with pyruvate dehydrogenase, or decarboxylase, deficiency. Identifiers: Orphanet 79243, MedGen C1839413, MONDO:0010717, OMIM 312170.

Submission:

PDHA1 Study Group, University Children’s Hospital, Paracelsus Medical University
Classification: Likely pathogenic for Pyruvate dehydrogenase E1-alpha deficiency. Last evaluated: 2024-10-15. Review status: no assertion criteria provided. Collection method: research. Allele origin: inherited. Affected: yes. Observed: 1 variant allele.
Comment: The NM_000284.3:c.900-6_958dup (p.?) variant affects splicing in PDHA1 gene. Among them, 1 were confirmed inherited. The variant has been reported in 1 published case (PMIDs: 19517265). Last literature search: July 12, 2024. This variant is absent or extremely rare in population-based cohorts in the Genome Aggregation Database (gnomAD). Individuals harboring this variant presented with clinical features compatible with PDHA1-related PDHc deficiency. In summary, this variant meets criteria to be classified as likely pathogenic (LP) for PDHA1-related PDHc deficiency based on the ACMG/AMP criteria applied: PS3, PM2, PM7 (last assessment October 15, 2024).

Literature cited by the submitters: PubMed 19517265; DOI 10.1093/brain/awaf430.